The following is an entry in ClinVar:

ClinVar aggregate classification (germline): Uncertain significance. Review status: criteria provided, multiple submitters, no conflicts (2 of 4 stars). 2 submissions from 2 submitters: Uncertain significance (2). Last evaluated 2025-12-13.

Allele frequency attached by ClinVar (database versions not stated): gnomAD 0.00002; TOPMed 0.00002.
gnomAD v4.1: 8 of 1,613,740 alleles (0.0005%); highest among the groups gnomAD compares: Non-Finnish European, 0.00068%; no homozygotes.

Submissions (2):

Labcorp Genetics (formerly Invitae), Labcorp
Classification: Uncertain significance. Last evaluated: 2025-12-13. Review status: criteria provided, single submitter. Criteria: Invitae Variant Classification Sherloc (09022015). Collection method: clinical testing. Allele origin: germline.
Comment: This sequence change replaces methionine, which is neutral and non-polar, with threonine, which is neutral and polar, at codon 693 of the SCN3A protein (p.Met693Thr). This variant is present in population databases (no rsID available, gnomAD 0.002%). This variant has not been reported in the literature in individuals affected with SCN3A-related conditions. ClinVar contains an entry for this variant (Variation ID: 944296). Invitae Evidence Modeling of protein sequence and biophysical properties (such as structural, functional, and spatial information, amino acid conservation, physicochemical variation, residue mobility, and thermodynamic stability) indicates that this missense variant is not expected to disrupt SCN3A protein function with a negative predictive value of 80%. In summary, the available evidence is currently insufficient to determine the role of this variant in disease. Therefore, it has been classified as a Variant of Uncertain Significance.

GeneDx
Classification: Uncertain significance. Last evaluated: 2022-05-16. Review status: criteria provided, single submitter. Criteria: GeneDx Variant Classification Process June 2021. Collection method: clinical testing. Allele origin: germline. Affected: yes.
Comment: Not observed at significant frequency in large population cohorts (gnomAD); In silico analysis supports that this missense variant has a deleterious effect on protein structure/function; Has not been previously published as pathogenic or benign to our knowledge

NM_006922.4(SCN3A):c.2078T>C (p.Met693Thr)

Gene: SCN3A (sodium voltage-gated channel alpha subunit 3; minus strand). Cytogenetic location: 2q24.3.
Variant type: single nucleotide variant.
Coding change: c.2078T>C on transcript NM_006922.4 (MANE Select); coding-DNA position 2078, T replaced by C.
Protein change: p.Met693Thr; replaces methionine 693 with threonine.
Molecular consequence: missense variant.
Genome position (GRCh38, 1-based): chr2:165,139,550, A>G on the plus strand (T>C on the coding strand, the complement: SCN3A is on the minus strand). VCF-style: chr2-165139550-A-G. GRCh37 (hg19) VCF-style: chr2-165996060-A-G.
Other names: c.1931T>C, p.Met644Thr (NM_001081676.2, NM_001081677.2); short protein forms M644T, M693T.
Identifiers: ClinVar variation 944296 (VCV000944296.10), dbSNP rs1244798421, ClinGen allele CA349045716.